The following is an entry in ClinVar:

NM_001127511.3(APC):c.165+22536G>T

Gene: APC (APC regulator of Wnt signaling pathway; plus strand). Cytogenetic location: 5q22.2.
Variant type: single nucleotide variant.
Coding change: c.165+22536G>T on transcript NM_001127511.3; 22536 bases into the intron after coding-DNA position 165, G replaced by T.
Molecular consequence: intron variant.
Genome position (GRCh38, 1-based): chr5:112,730,418, G>T. VCF-style: chr5-112730418-G-T. GRCh37 (hg19) VCF-style: chr5-112066115-G-T.
Other names: c.-1054+22536G>T (NM_001407470.1, NM_001407472.1); c.-19+22536G>T (NM_001407447.1, NM_001354895.2, NM_001407456.1 and 3 more transcripts); c.165+22536G>T (NM_001407446.1, NM_001354897.2, NM_001354902.2); c.-19+22769G>T (NM_001407448.1, NM_001407450.1, NM_001407457.1 and 1 more transcripts); c.-43+22769G>T (NM_001407453.1).
Identifiers: ClinVar variation 82714 (VCV000082714.4), dbSNP rs76914770, ClinGen allele CA023545.

ClinVar aggregate classification (germline): other (0 of 4 stars; one submission).

Conditions:
Familial colorectal cancer. Identifiers: MedGen CN280943, MONDO:0023113. Disease mechanism: loss of function.

Submission:

Systems Biology Platform Zhejiang California International NanoSystems Institute
Classification: other for Familial colorectal cancer. Review status: no assertion criteria provided. Collection method: not provided. Allele origin: unknown.
ClinVar note: Converted during submission from cancer to other.